The following is an entry in ClinVar:

ClinVar aggregate classification (germline): Uncertain significance (1 of 4 stars; one submission).

Submission:

GeneDx
Classification: Uncertain significance. Last evaluated: 2025-12-26. Review status: criteria provided, single submitter. Criteria: GeneDx Variant Classification Process June 2021. Collection method: clinical testing. Allele origin: germline.
Comment: Not observed at significant frequency in large population cohorts (gnomAD); In silico analysis supports that this missense variant has a deleterious effect on protein structure/function; Has not been previously published as pathogenic or benign to our knowledge

NM_001130021.3(ATP6V0A1):c.1302G>C (p.Lys434Asn)

Gene: ATP6V0A1 (ATPase H+ transporting V0 subunit a1; plus strand). Cytogenetic location: 17q21.2.
Variant type: single nucleotide variant.
Coding change: c.1302G>C on transcript NM_001130021.3 (MANE Select); coding-DNA position 1302, G replaced by C.
Protein change: p.Lys434Asn; replaces lysine 434 with asparagine.
Molecular consequence: missense variant.
Genome position (GRCh38, 1-based): chr17:42,494,461, G>C. VCF-style: chr17-42494461-G-C. GRCh37 (hg19) VCF-style: chr17-40646479-G-C.
Other names: c.1323G>C, p.Lys441Asn (NM_001130020.3, NM_001378522.1, NM_001378523.1 and 3 more transcripts); c.1425G>C, p.Lys475Asn (NM_001378530.1, NM_001378533.1, NM_001378551.1 and 1 more transcripts); c.1446G>C, p.Lys482Asn (NM_001378531.1, NM_001378532.1); c.1302G>C, p.Lys434Asn (NM_001378535.1, NM_001378537.1, NM_001378542.1 and 4 more transcripts); c.1194G>C, p.Lys398Asn (NM_001378536.1, NM_001378550.1, NM_001378556.1); c.1173G>C, p.Lys391Asn (NM_001378538.1, NM_001378540.1); c.1143G>C, p.Lys381Asn (NM_001378543.1); c.1092G>C, p.Lys364Asn (NM_001378545.1, NM_001378554.1); and 2 more; short protein forms K363N, K364N, K374N, K381N, K391N, K398N, K434N, K441N.
Identifiers: ClinVar variation 4532473 (VCV004532473.2).